The following is an entry in ClinVar:

ClinVar aggregate classification (germline): Benign/Likely benign. Review status: criteria provided, multiple submitters, no conflicts (2 of 4 stars). 8 submissions from 8 submitters: Benign (4); Likely benign (3). 1 of the submissions does not count toward it. Last evaluated 2024-10-31.

Conditions:
NLGN4X-related disorder. Also called: NLGN4X-related condition.
Inborn genetic diseases. Identifiers: MedGen C0950123, MeSH D030342.
Asperger syndrome, X-linked, susceptibility to, 2. Identifiers: MedGen CN029122, MONDO:0010343.
Autism, susceptibility to, X-linked 2 (AUTSX2). Also called: Autism susceptibility, X-linked 2. Identifiers: MedGen C1845539, MONDO:0010341, OMIM 300495.

Allele frequency attached by ClinVar (database versions not stated): 1000 Genomes Project 30x 0.00062; 1000 Genomes Project 0.00079; ExAC 0.00097; gnomAD 0.00099 and 0.00101; gnomAD exomes 0.00099 and 0.00192; TOPMed 0.00102; ESP Exome Variant Server 0.00142.
gnomAD v4.1: 2,198 of 1,209,418 alleles (0.18%); highest among the groups gnomAD compares: Non-Finnish European, 0.23%; 3 homozygotes.

Submissions (8):

Blueprint Genetics
Classification: Likely benign. Last evaluated: 2024-10-31. Review status: criteria provided, single submitter. Criteria: ACMG Guidelines, 2015. Collection method: clinical testing. Allele origin: germline.

Fulgent Genetics
Classification: Likely benign for Autism, susceptibility to, X-linked 2. Last evaluated: 2022-03-02. Review status: criteria provided, single submitter. Criteria: ACMG Guidelines, 2015. Collection method: clinical testing. Allele origin: unknown.

Labcorp Genetics (formerly Invitae), Labcorp
Classification: Benign. Last evaluated: 2019-12-31. Review status: criteria provided, single submitter. Criteria: Invitae Variant Classification Sherloc (09022015). Collection method: clinical testing. Allele origin: germline.

Genetic Services Laboratory, University of Chicago
Classification: Benign. Last evaluated: 2019-10-10. Review status: criteria provided, single submitter. Criteria: ACMG Guidelines, 2015. Collection method: clinical testing. Allele origin: germline. Affected: no.

Eurofins Ntd Llc (ga)
Classification: Benign. Last evaluated: 2015-03-12. Review status: criteria provided, single submitter. Criteria: EGL Classification Definitions 2015. Collection method: clinical testing. Allele origin: germline. Observed: 1 variant allele, 1 hemizygote.

Ambry Genetics
Classification: Likely benign for Inborn genetic diseases. Last evaluated: 2014-09-29. Review status: criteria provided, single submitter. Criteria: Ambry Variant Classification Scheme 2023. Collection method: clinical testing. Allele origin: germline.

Breakthrough Genomics
Classification: Benign. Review status: criteria provided, single submitter. Criteria: ACMG Guidelines, 2015. Collection method: not provided. Allele origin: germline. Inheritance: X-linked inheritance. Affected: yes.

PreventionGenetics, part of Exact Sciences
Classification: Likely benign for NLGN4X-related condition. Last evaluated: 2020-03-03. Review status: no assertion criteria provided. Collection method: clinical testing. Allele origin: germline. Not counted in ClinVar's aggregate classification.
Comment: This variant is classified as likely benign based on ACMG/AMP sequence variant interpretation guidelines (Richards et al. 2015 PMID: 25741868, with internal and published modifications).

NM_181332.3(NLGN4X):c.591C>T (p.Ile197=)

Gene: NLGN4X (neuroligin 4 X-linked; minus strand). Cytogenetic location: Xp22.32.
Variant type: single nucleotide variant.
Coding change: c.591C>T on transcript NM_181332.3 (MANE Select); coding-DNA position 591, C replaced by T.
Protein change: p.Ile197=; no amino-acid change (isoleucine 197 retained).
Molecular consequence: synonymous variant.
Genome position (GRCh38, 1-based): chrX:6,029,314, G>A on the plus strand (C>T on the coding strand, the complement: NLGN4X is on the minus strand). VCF-style: chrX-6029314-G-A. GRCh37 (hg19) VCF-style: chrX-5947355-G-A.
Other names: c.591C>T, p.Ile197= (NM_001282145.2, NM_001282146.2, NM_020742.4).
Identifiers: ClinVar variation 196500 (VCV000196500.20), dbSNP rs149003627, ClinGen allele CA202408.